The following is an entry in ClinVar:

ClinVar aggregate classification (germline): Uncertain significance. Review status: criteria provided, multiple submitters, no conflicts (2 of 4 stars). 2 submissions from 2 submitters: Uncertain significance (2). Last evaluated 2026-01-08.

Conditions:
Hereditary cancer-predisposing syndrome. Also called: Hereditary neoplastic syndrome; Neoplastic Syndromes, Hereditary; Tumor predisposition; Hereditary Cancer Syndrome. Identifiers: Orphanet 140162, MedGen C0027672, MeSH D009386, MONDO:0015356.
Rhabdoid tumor predisposition syndrome 2 (RTPS2). Identifiers: Orphanet 231108, Orphanet 69077, MedGen C2750074, MONDO:0013224, OMIM 613325.

Allele frequency attached by ClinVar (database versions not stated): ExAC 0.00001.

Submissions (2):

Labcorp Genetics (formerly Invitae), Labcorp
Classification: Uncertain significance for Rhabdoid tumor predisposition syndrome 2. Last evaluated: 2026-01-08. Review status: criteria provided, single submitter. Criteria: Invitae Variant Classification Sherloc (09022015). Collection method: clinical testing. Allele origin: germline.
Comment: This sequence change replaces alanine, which is neutral and non-polar, with threonine, which is neutral and polar, at codon 130 of the SMARCA4 protein (p.Ala130Thr). This variant is present in population databases (rs779298300, gnomAD 0.006%). This variant has not been reported in the literature in individuals affected with SMARCA4-related conditions. ClinVar contains an entry for this variant (Variation ID: 1005681). Invitae Evidence Modeling of protein sequence and biophysical properties (such as structural, functional, and spatial information, amino acid conservation, physicochemical variation, residue mobility, and thermodynamic stability) indicates that this missense variant is not expected to disrupt SMARCA4 protein function with a negative predictive value of 95%. In summary, the available evidence is currently insufficient to determine the role of this variant in disease. Therefore, it has been classified as a Variant of Uncertain Significance.

Ambry Genetics
Classification: Uncertain significance for Hereditary cancer-predisposing syndrome. Last evaluated: 2024-10-24. Review status: criteria provided, single submitter. Criteria: Ambry Variant Classification Scheme 2023. Collection method: clinical testing. Allele origin: germline.
Comment: The p.A130T variant (also known as c.388G>A), located in coding exon 3 of the SMARCA4 gene, results from a G to A substitution at nucleotide position 388. The alanine at codon 130 is replaced by threonine, an amino acid with similar properties. This amino acid position is conserved. In addition, this alteration is predicted to be tolerated by in silico analysis. Based on the available evidence, the clinical significance of this variant remains unclear.

NM_003072.5(SMARCA4):c.388G>A (p.Ala130Thr)

Gene: SMARCA4 (SWI/SNF related BAF chromatin remodeling complex subunit ATPase 4; plus strand). Cytogenetic location: 19p13.2.
Variant type: single nucleotide variant.
Coding change: c.388G>A on transcript NM_003072.5 (MANE Select); coding-DNA position 388, G replaced by A.
Protein change: p.Ala130Thr; replaces alanine 130 with threonine.
Molecular consequence: missense variant. On other transcripts: non-coding transcript variant (1).
Genome position (GRCh38, 1-based): chr19:10,986,221, G>A. VCF-style: chr19-10986221-G-A. GRCh37 (hg19) VCF-style: chr19-11096897-G-A.
Other names: c.388G>A (NM_001128849.1); c.388G>A, p.Ala130Thr (NM_001128844.3, NM_001128845.2, NM_001128846.2 and 4 more transcripts); short protein forms A130T.
Identifiers: ClinVar variation 1005681 (VCV001005681.9), dbSNP rs779298300, ClinGen allele CA9203496.